The following is an entry in ClinVar:

NM_001999.4(FBN2):c.6033del (p.Asn2013fs)

Gene: FBN2 (fibrillin 2; minus strand). Cytogenetic location: 5q23.3.
Variant type: Deletion.
Coding change: c.6033del on transcript NM_001999.4 (MANE Select); coding-DNA position 6033, one base deleted (C; older notation c.6033delC).
Protein change: p.Asn2013fs; shifts the reading frame from asparagine 2013.
Molecular consequence: frameshift variant.
Genome position (GRCh38, 1-based): chr5:128,301,395, G deleted on the plus strand (C on the coding strand, the reverse complement: FBN2 is on the minus strand). VCF-style (leftmost placement, unchanged base first): chr5-128301394-TG-T. GRCh37 (hg19) VCF-style: chr5-127637086-TG-T.
Other names: short protein forms N2013fs.
Identifiers: ClinVar variation 1305844 (VCV001305844.2), dbSNP rs2126834363, ClinGen allele CA2573052414.
Genomic context (GRCh38, chr5:128,301,394, plus strand): 5'-TTTACAAAACATAACACCACAAAGACTGCTTATTATTTAAATACTTACCTATACAGTTTT[TG>T]CCATCTGGGGTAAGTTCATAACCTTCGTTACATAGACACTTGAAAGAACCAATTTCATTA-3'

ClinVar aggregate classification (germline): Uncertain significance (1 of 4 stars; one submission).

Submission:

GeneDx
Classification: Uncertain significance. Last evaluated: 2019-05-14. Review status: criteria provided, single submitter. Criteria: GeneDx Variant Classification Process June 2021. Collection method: clinical testing. Allele origin: germline. Affected: yes.
Comment: Has not been previously published as pathogenic or benign to our knowledge; Frameshift variant predicted to result in protein truncation or nonsense mediated decay in a gene for which loss-of-function is not a known mechanism of disease; Not observed in large population cohorts (Lek et al., 2016)